The following is an entry in ClinVar:

ClinVar aggregate classification (germline): Uncertain significance (1 of 4 stars; one submission).

Conditions:
Bethlem myopathy 1A. Also called: MYOPATHY, BENIGN CONGENITAL, WITH CONTRACTURES; Bethlem myopathy 1; Bethlem Muscular Dystrophy. Identifiers: Orphanet 610, MedGen CN029274, MONDO:0024530, OMIM 158810.

gnomAD v4.1: 3 of 1,613,366 alleles (0.00019%); highest among the groups gnomAD compares: East Asian, 0.0067%; no homozygotes.

Submission:

Labcorp Genetics (formerly Invitae), Labcorp
Classification: Uncertain significance for Bethlem myopathy 1A. Last evaluated: 2025-02-27. Review status: criteria provided, single submitter. Criteria: Invitae Variant Classification Sherloc (09022015). Collection method: clinical testing. Allele origin: germline.
Comment: This sequence change falls in intron 27 of the COL6A2 gene. It does not directly change the encoded amino acid sequence of the COL6A2 protein. It affects a nucleotide within the consensus splice site. This variant is present in population databases (rs752550942, gnomAD 0.01%). This variant has not been reported in the literature in individuals affected with COL6A2-related conditions. Variants that disrupt the consensus splice site are a relatively common cause of aberrant splicing (PMID: 17576681, 9536098). Algorithms developed to predict the effect of sequence changes on RNA splicing suggest that this variant is not likely to affect RNA splicing. In summary, the available evidence is currently insufficient to determine the role of this variant in disease. Therefore, it has been classified as a Variant of Uncertain Significance.

Literature cited by the submitters: PubMed 17576681; PubMed 9536098.

NM_001849.4(COL6A2):c.2461+6G>T

Gene: COL6A2 (collagen type VI alpha 2 chain; plus strand). Cytogenetic location: 21q22.3.
Variant type: single nucleotide variant.
Coding change: c.2461+6G>T on transcript NM_001849.4 (MANE Select); 6 bases into the intron after coding-DNA position 2461, G replaced by T.
Molecular consequence: intron variant.
Genome position (GRCh38, 1-based): chr21:46,126,547, G>T. VCF-style: chr21-46126547-G-T. GRCh37 (hg19) VCF-style: chr21-47546461-G-T.
Other names: c.2461+6G>T (NM_058175.3, NM_058174.3).
Identifiers: ClinVar variation 4708852 (VCV004708852.1).